The following is an entry in ClinVar:

ClinVar aggregate classification (germline): Uncertain significance (1 of 4 stars; one submission).

Submission:

Labcorp Genetics (formerly Invitae), Labcorp
Classification: Uncertain significance. Last evaluated: 2025-04-07. Review status: criteria provided, single submitter. Criteria: Invitae Variant Classification Sherloc (09022015). Collection method: clinical testing. Allele origin: germline.
Comment: This sequence change replaces glutamic acid, which is acidic and polar, with aspartic acid, which is acidic and polar, at codon 152 of the TWNK protein (p.Glu152Asp). This variant is not present in population databases (gnomAD no frequency). This variant has not been reported in the literature in individuals affected with TWNK-related conditions. Invitae Evidence Modeling of protein sequence and biophysical properties (such as structural, functional, and spatial information, amino acid conservation, physicochemical variation, residue mobility, and thermodynamic stability) has been performed for this missense variant. However, the output from this modeling did not meet the statistical confidence thresholds required to predict the impact of this variant on TWNK protein function. In summary, the available evidence is currently insufficient to determine the role of this variant in disease. Therefore, it has been classified as a Variant of Uncertain Significance.

NM_021830.5(TWNK):c.456G>T (p.Glu152Asp)

Gene: TWNK (twinkle mtDNA helicase; plus strand). Cytogenetic location: 10q24.31.
Variant type: single nucleotide variant.
Coding change: c.456G>T on transcript NM_021830.5 (MANE Select); coding-DNA position 456, G replaced by T.
Protein change: p.Glu152Asp; replaces glutamic acid 152 with aspartic acid.
Molecular consequence: missense variant. On other transcripts: non-coding transcript variant (4), intron variant (3).
Genome position (GRCh38, 1-based): chr10:100,988,666, G>T. VCF-style: chr10-100988666-G-T. GRCh37 (hg19) VCF-style: chr10-102748423-G-T.
Other names: c.456G>T, p.Glu152Asp (NM_001163812.2); c.-119-978G>T (NM_001163814.2, NM_001163813.2); c.-57-1040G>T (NM_001368275.1); short protein forms E152D.
Identifiers: ClinVar variation 4761651 (VCV004761651.1).